The following is an entry in ClinVar:

NM_001384140.1(PCDH15):c.3601A>T (p.Thr1201Ser)

Gene: PCDH15 (protocadherin related 15; minus strand). Cytogenetic location: 10q21.1.
Variant type: single nucleotide variant.
Coding change: c.3601A>T on transcript NM_001384140.1 (MANE Select); coding-DNA position 3601, A replaced by T.
Protein change: p.Thr1201Ser; replaces threonine 1201 with serine.
Molecular consequence: missense variant.
Genome position (GRCh38, 1-based): chr10:53,866,758, T>A on the plus strand (A>T on the coding strand, the complement: PCDH15 is on the minus strand). VCF-style: chr10-53866758-T-A. GRCh37 (hg19) VCF-style: chr10-55626518-T-A.
Other names: c.3616A>T, p.Thr1206Ser (NM_001142763.2, NM_001142771.2); c.3601A>T, p.Thr1201Ser (NM_001142764.2, NM_001142766.2, NM_001142770.3 and 4 more transcripts); c.3388A>T, p.Thr1130Ser (NM_001142765.2); c.3490A>T, p.Thr1164Ser (NM_001142767.2); c.3535A>T, p.Thr1179Ser (NM_001142768.2, NM_001142773.2, NM_001354404.2); c.3637A>T, p.Thr1213Ser (NM_001142769.4); c.3622A>T, p.Thr1208Ser (NM_001354411.2); short protein forms T1164S, T1179S, T1201S, T1213S, T1130S, T1206S, T1208S.
Identifiers: ClinVar variation 2038296 (VCV002038296.4), dbSNP rs2493336508, ClinGen allele CA376517213.
Genomic context (GRCh38, chr10:53,866,758, plus strand): 5'-GAAACTTGAAGTAGGATCTCCTCATATTATGGAAGAGCATAGCAGTTTTGATAAGCCCTG[T>A]ATATGTTTCCACTACAAATCCTTCTTTTCCCTCTTTAATTGGTGGTATTATGAGTCTGTA-3'
Protein context (NP_001371069.1, residues 1191-1211): GKEGFVVETY[Thr1201Ser]GLIKTAMLFH

ClinVar aggregate classification (germline): Uncertain significance (1 of 4 stars; one submission).

Submission:

Labcorp Genetics (formerly Invitae), Labcorp
Classification: Uncertain significance. Last evaluated: 2021-12-08. Review status: criteria provided, single submitter. Criteria: Invitae Variant Classification Sherloc (09022015). Collection method: clinical testing. Allele origin: germline.
Comment: In summary, the available evidence is currently insufficient to determine the role of this variant in disease. Therefore, it has been classified as a Variant of Uncertain Significance. Algorithms developed to predict the effect of missense changes on protein structure and function (SIFT, PolyPhen-2, Align-GVGD) all suggest that this variant is likely to be tolerated. This variant has not been reported in the literature in individuals affected with PCDH15-related conditions. This variant is not present in population databases (gnomAD no frequency). This sequence change replaces threonine, which is neutral and polar, with serine, which is neutral and polar, at codon 1201 of the PCDH15 protein (p.Thr1201Ser).